The following is an entry in ClinVar:

NM_018993.4(RIN2):c.1698C>T (p.Asn566=)

Gene: RIN2 (Ras and Rab interactor 2; plus strand). Cytogenetic location: 20p11.23.
Variant type: single nucleotide variant.
Coding change: c.1698C>T on transcript NM_018993.4 (MANE Select); coding-DNA position 1698, C replaced by T.
Protein change: p.Asn566=; no amino-acid change (asparagine 566 retained).
Molecular consequence: synonymous variant.
Genome position (GRCh38, 1-based): chr20:19,975,723, C>T. VCF-style: chr20-19975723-C-T. GRCh37 (hg19) VCF-style: chr20-19956367-C-T.
Other names: c.1845C>T, p.Asn615= (NM_001242581.2); c.1080C>T, p.Asn360= (NM_001378238.1).
Identifiers: ClinVar variation 513627 (VCV000513627.1), dbSNP rs1212873364, ClinGen allele CA509829397.

ClinVar aggregate classification (germline): Likely benign (1 of 4 stars; one submission).

Allele frequency attached by ClinVar (database versions not stated): gnomAD exomes below 0.00001; TOPMed below 0.00001; gnomAD 0.00001.
gnomAD v4.1: 2 of 1,613,402 alleles (0.00012%); highest among the groups gnomAD compares: Admixed American, 0.0017%; no homozygotes.

Submission:

GeneDx
Classification: Likely benign. Last evaluated: 2017-11-29. Review status: criteria provided, single submitter. Criteria: GeneDx Variant Classification (06012015). Collection method: clinical testing. Allele origin: germline. Affected: yes.
Comment: This variant is considered likely benign or benign based on one or more of the following criteria: it is a conservative change, it occurs at a poorly conserved position in the protein, it is predicted to be benign by multiple in silico algorithms, and/or has population frequency not consistent with disease.